The following is an entry in ClinVar:

ClinVar aggregate classification (germline): Uncertain significance (1 of 4 stars; one submission).

Submission:

Labcorp Genetics (formerly Invitae), Labcorp
Classification: Uncertain significance. Last evaluated: 2021-03-17. Review status: criteria provided, single submitter. Criteria: Invitae Variant Classification Sherloc (09022015). Collection method: clinical testing. Allele origin: germline.
Comment: In summary, the available evidence is currently insufficient to determine the role of this variant in disease. Therefore, it has been classified as a Variant of Uncertain Significance. Algorithms developed to predict the effect of missense changes on protein structure and function are either unavailable or do not agree on the potential impact of this missense change (SIFT: "Deleterious"; PolyPhen-2: "Probably Damaging"; Align-GVGD: "Class C0"). This variant has not been reported in the literature in individuals with GEN1-related conditions. This variant is not present in population databases (ExAC no frequency). This sequence change replaces cysteine with arginine at codon 796 of the GEN1 protein (p.Cys796Arg). The cysteine residue is moderately conserved and there is a large physicochemical difference between cysteine and arginine.

NM_001130009.3(GEN1):c.2386T>C (p.Cys796Arg)

Gene: GEN1 (GEN1 structure-specific endonuclease; plus strand). Cytogenetic location: 2p24.2.
Variant type: single nucleotide variant.
Coding change: c.2386T>C on transcript NM_001130009.3 (MANE Select); coding-DNA position 2386, T replaced by C.
Protein change: p.Cys796Arg; replaces cysteine 796 with arginine.
Molecular consequence: missense variant.
Genome position (GRCh38, 1-based): chr2:17,781,598, T>C. VCF-style: chr2-17781598-T-C. GRCh37 (hg19) VCF-style: chr2-17962865-T-C.
Other names: c.2386T>C, p.Cys796Arg (NM_182625.5); short protein forms C796R.
Identifiers: ClinVar variation 1430597 (VCV001430597.8), dbSNP rs1558414190, ClinGen allele CA345927930.